The following is an entry in ClinVar:

ClinVar aggregate classification (germline): Conflicting classifications of pathogenicity. Review status: criteria provided, conflicting classifications (1 of 4 stars). 3 submissions from 3 submitters: Uncertain significance (2); Likely benign (1). Last evaluated 2025-06-03.

Conditions:
Cardiovascular phenotype. Identifiers: MedGen CN230736.
Ehlers-Danlos syndrome, cardiac valvular type. Identifiers: Orphanet 230851, MedGen C4303789, MONDO:0009159, OMIM 225320.
Ehlers-Danlos syndrome, arthrochalasia type. Also called: EDS VII, MUTANT PROCOLLAGEN TYPE; EDS VIIA; Ehlers-Danlos syndrome, arthrochalasis type; Ehlers-Danlos syndrome, arthrochalasia type, 1; ARTHROCHALASIS MULTIPLEX CONGENITA. Identifiers: Orphanet 1899, Orphanet 99875, Orphanet 99876, MedGen C4551623, MONDO:0007525, OMIM 130060.
Osteogenesis imperfecta (OI). Identifiers: Orphanet 666, MedGen C0029434, MeSH D010013, MONDO:0019019.
Osteogenesis imperfecta type I (OI1). Also called: Lobstein's Disease; OI, TYPE I; OSTEOGENESIS IMPERFECTA TARDA; OSTEOGENESIS IMPERFECTA WITH BLUE SCLERAE; Osteogenesis imperfecta type 1; Classic Non-deforming Osteogenesis Imperfecta with Blue Sclerae. Identifiers: Orphanet 216796, Orphanet 666, MedGen C0023931, MONDO:0008146, OMIM 166200. Disease mechanism: loss of function.
Ehlers-Danlos syndrome, classic type, 1 (EDSCL1). Also called: Ehlers-Danlos syndrome, type 1; EHLERS-DANLOS SYNDROME, GRAVIS TYPE; EHLERS-DANLOS SYNDROME, SEVERE CLASSIC TYPE; Ehlers-Danlos Syndrome, Classic Type, COL5A1-Related; EDS I. Identifiers: MedGen C0268335, MONDO:0019567, OMIM 130000.

Allele frequency attached by ClinVar (database versions not stated): gnomAD 0.00001; gnomAD exomes 0.00001; TOPMed 0.00001.
gnomAD v4.1: 17 of 1,613,862 alleles (0.0011%); highest among the groups gnomAD compares: Non-Finnish European, 0.0014%; no homozygotes.

Submissions (3):

Labcorp Genetics (formerly Invitae), Labcorp
Classification: Uncertain significance for Osteogenesis imperfecta type I; Ehlers-Danlos syndrome, classic type, 1. Last evaluated: 2025-06-03. Review status: criteria provided, single submitter. Criteria: Invitae Variant Classification Sherloc (09022015). Collection method: clinical testing. Allele origin: germline.
Comment: This sequence change falls in intron 34 of the COL1A2 gene. It does not directly change the encoded amino acid sequence of the COL1A2 protein. It affects a nucleotide within the consensus splice site. This variant is present in population databases (no rsID available, gnomAD 0.01%). This variant has not been reported in the literature in individuals affected with COL1A2-related conditions. ClinVar contains an entry for this variant (Variation ID: 509959). Variants that disrupt the consensus splice site are a relatively common cause of aberrant splicing (PMID: 17576681, 9536098). Algorithms developed to predict the effect of sequence changes on RNA splicing suggest that this variant is not likely to affect RNA splicing. In summary, the available evidence is currently insufficient to determine the role of this variant in disease. Therefore, it has been classified as a Variant of Uncertain Significance.

Ambry Genetics
Classification: Uncertain significance for Cardiovascular phenotype. Last evaluated: 2020-11-20. Review status: criteria provided, single submitter. Criteria: Ambry Variant Classification Scheme 2023. Collection method: clinical testing. Allele origin: germline.
Comment: The c.2079+3A>G intronic variant results from an A to G substitution 3 nucleotides after coding exon 34 in the COL1A2 gene. This nucleotide position is well conserved in available vertebrate species. In silico splice site analysis for this alteration is inconclusive. Since supporting evidence is limited at this time, the clinical significance of this alteration remains unclear.

GeneDx
Classification: Likely benign. Last evaluated: 2017-06-02. Review status: criteria provided, single submitter. Criteria: GeneDx Variant Classification (06012015). Collection method: clinical testing. Allele origin: germline. Affected: yes.
Comment: This variant is considered likely benign or benign based on one or more of the following criteria: it is a conservative change, it occurs at a poorly conserved position in the protein, it is predicted to be benign by multiple in silico algorithms, and/or has population frequency not consistent with disease.

Literature cited by the submitters: PubMed 17576681 (cited by Labcorp Genetics (formerly Invitae), Labcorp); PubMed 9536098 (cited by Labcorp Genetics (formerly Invitae), Labcorp).

NM_000089.4(COL1A2):c.2079+3A>G

Gene: COL1A2 (collagen type I alpha 2 chain; plus strand). Cytogenetic location: 7q21.3.
Variant type: single nucleotide variant.
Coding change: c.2079+3A>G on transcript NM_000089.4 (MANE Select); 3 bases into the intron after coding-DNA position 2079, A replaced by G.
Molecular consequence: intron variant.
Genome position (GRCh38, 1-based): chr7:94,419,554, A>G. VCF-style: chr7-94419554-A-G. GRCh37 (hg19) VCF-style: chr7-94048866-A-G.
Identifiers: ClinVar variation 509959 (VCV000509959.13), dbSNP rs1226079110, ClinGen allele CA576323314.